The following is an entry in ClinVar:

NM_206933.4(USH2A):c.14870_14901del (p.Leu4957fs)

Gene: USH2A (usherin; minus strand). Cytogenetic location: 1q41.
Variant type: Deletion.
Coding change: c.14870_14901del on transcript NM_206933.4 (MANE Select); coding-DNA positions 14870 to 14901, 32 bases deleted.
Protein change: p.Leu4957fs; shifts the reading frame from leucine 4957.
Molecular consequence: frameshift variant.
Genome position (GRCh38, 1-based): chr1:215,640,625-215,640,656, 32 bases deleted; deleting any 32 consecutive bases within chr1:215,640,625-215,640,658 gives the same sequence; the c. name uses the placement nearest the transcript's 3' end. GRCh37 (hg19): chr1:215,813,969-215,814,000.
Other names: short protein forms L4957fs.
Identifiers: ClinVar variation 866362 (VCV000866362.11), dbSNP rs1656646221, ClinGen allele CA916082109.
Genomic context (GRCh38, chr1:215,640,624, plus strand): 5'-CCGCCGTTCTCGGTATGTAGAGGGTGGTGTCCAAGCCGCTGTACACGCGTCGCCCTCCGT[CGGTTAACACGTACTCCTTCAGTTGGCCGTTCA>C]GGAGGAAGGTGTCACTCCAGTTCACACACACCACAGACAAATTGCTGTCCACCGAAAATG-3'

ClinVar aggregate classification (germline): Pathogenic/Likely pathogenic. Review status: criteria provided, multiple submitters, no conflicts (2 of 4 stars). 5 submissions from 5 submitters: Pathogenic (1); Likely pathogenic (4). Last evaluated 2024-07-14.

Conditions:
USH2A-related disorder. Also called: USH2A-related condition; USH2A-related disorders. Identifiers: MedGen CN239332.
Retinitis pigmentosa 39 (RP39). Identifiers: Orphanet 791, MedGen C3151138, MONDO:0013436, OMIM 613809.
Usher syndrome type 2A. Also called: RETINAL DISEASE IN USHER SYNDROME TYPE IIA, MODIFIER OF; USHER SYNDROME, TYPE IIA. Identifiers: Orphanet 231178, Orphanet 886, MedGen C1848634, MONDO:0010169, OMIM 276901.

Submissions (5):

Natera, Inc.
Classification: Likely pathogenic for Usher syndrome type 2A. Last evaluated: 2024-07-14. Review status: criteria provided, single submitter. Criteria: Natera Variant Classification Schema (03/2026). Collection method: clinical testing. Allele origin: germline.
Comment: The c.14870_14901del variant in USH2A is a frameshift variant predicted to shift the reading frame beginning at codon 4957 and leads to a stop codon 33 codons downstream. This variant is expected to result in nonsense mediated decay, truncation, or a dysfunctional protein product. This variant is rare in the general population with a frequency below the threshold expected for the associated phenotype(s). Given the available evidence, this variant is classified as Likely Pathogenic.

Labcorp Genetics (formerly Invitae), Labcorp
Classification: Pathogenic. Last evaluated: 2024-01-08. Review status: criteria provided, single submitter. Criteria: Invitae Variant Classification Sherloc (09022015). Collection method: clinical testing. Allele origin: germline.
Comment: This sequence change creates a premature translational stop signal (p.Leu4957Argfs*33) in the USH2A gene. It is expected to result in an absent or disrupted protein product. Loss-of-function variants in USH2A are known to be pathogenic (PMID: 10729113, 10909849, 20507924, 25649381). This variant is not present in population databases (gnomAD no frequency). This variant has not been reported in the literature in individuals affected with USH2A-related conditions. ClinVar contains an entry for this variant (Variation ID: 866362). For these reasons, this variant has been classified as Pathogenic.

Genome-Nilou Lab
Classification: Likely pathogenic for Retinitis pigmentosa 39. Last evaluated: 2023-11-04. Review status: criteria provided, single submitter. Criteria: ACMG Guidelines, 2015. Collection method: clinical testing. Allele origin: germline. Affected: no.

GeneDx
Classification: Likely pathogenic. Last evaluated: 2023-05-16. Review status: criteria provided, single submitter. Criteria: GeneDx Variant Classification Process June 2021. Collection method: clinical testing. Allele origin: germline. Affected: yes.
Comment: Frameshift variant predicted to result in protein truncation or nonsense mediated decay in a gene for which loss-of-function is a known mechanism of disease; Not observed at significant frequency in large population cohorts (gnomAD); Has not been previously published as pathogenic or benign to our knowledge

Blueprint Genetics
Classification: Likely pathogenic for USH2A-related disorders. Last evaluated: 2018-12-19. Review status: criteria provided, single submitter. Criteria: ACMG Guidelines, 2015. Collection method: clinical testing. Allele origin: germline. Affected: yes. Observed: 1 variant allele.

Literature cited by the submitters: PubMed 10729113 (cited by Labcorp Genetics (formerly Invitae), Labcorp); PubMed 10909849 (cited by Labcorp Genetics (formerly Invitae), Labcorp); PubMed 20507924 (cited by Labcorp Genetics (formerly Invitae), Labcorp); PubMed 25649381 (cited by Labcorp Genetics (formerly Invitae), Labcorp).